The following is an entry in ClinVar:

ClinVar aggregate classification (germline): Pathogenic (1 of 4 stars; one submission).

Conditions:
Inherited ovarian cancer (without breast cancer).

Submission:

Genetics Laboratory, Great Ormond Street Hospital NHS Foundation Trust, North Thames Genomic Laboratory Hub
Classification: Pathogenic for Inherited ovarian cancer (without breast cancer). Last evaluated: 2025-12-05. Review status: criteria provided, single submitter. Criteria: CanVIG RAD51CD Gene Specific V1.2. Collection method: clinical testing. Allele origin: germline. Affected: yes.
Comment: PM2_supporting, PVS1_very-strong, PM5_supporting

NM_058216.3(RAD51C):c.80_100delinsAACC (p.Leu27fs)

Gene: RAD51C (RAD51 paralog C; plus strand). Cytogenetic location: 17q22.
Variant type: Indel.
Coding change: c.80_100delinsAACC on transcript NM_058216.3 (MANE Select); coding-DNA positions 80 to 100, TGGTGTCTGCGGGGTTCCAGA replaced by AACC.
Protein change: p.Leu27fs; shifts the reading frame from leucine 27.
Molecular consequence: frameshift variant. On other transcripts: non-coding transcript variant (1).
Genome position (GRCh38, 1-based): chr17:58,692,723-58,692,743, TGGTGTCTGCGGGGTTCCAGA replaced by AACC. VCF-style: chr17-58692723-TGGTGTCTGCGGGGTTCCAGA-AACC. GRCh37 (hg19) VCF-style: chr17-56770084-TGGTGTCTGCGGGGTTCCAGA-AACC.
Other names: c.80_100delinsAACC, p.Leu27fs (NM_002876.4); short protein forms L27fs.
Identifiers: ClinVar variation 4688181 (VCV004688181.1).